The following is an entry in ClinVar:

ClinVar aggregate classification (germline): Uncertain significance. Review status: criteria provided, multiple submitters, no conflicts (2 of 4 stars). 2 submissions from 2 submitters: Uncertain significance (2). Last evaluated 2025-08-19.

Conditions:
Cardiovascular phenotype. Identifiers: MedGen CN230736.
Cholestanol storage disease (CTX). Also called: CEREBRAL CHOLESTERINOSIS; Cerebrotendinous Xanthomatosis; CTX: Cerebrotendinous xanthomatosis. Identifiers: Orphanet 909, MedGen C0238052, MONDO:0008948, OMIM 213700.

Allele frequency attached by ClinVar (database versions not stated): gnomAD exomes below 0.00001; TOPMed below 0.00001.
gnomAD v4.1: 1 of 1,614,164 alleles (0.000062%); highest among the groups gnomAD compares: Admixed American, 0.0017%; no homozygotes.

Submissions (2):

Ambry Genetics
Classification: Uncertain significance for Cardiovascular phenotype. Last evaluated: 2025-08-19. Review status: criteria provided, single submitter. Criteria: Ambry Variant Classification Scheme 2023. Collection method: clinical testing. Allele origin: germline.

Labcorp Genetics (formerly Invitae), Labcorp
Classification: Uncertain significance for Cholestanol storage disease. Last evaluated: 2022-07-24. Review status: criteria provided, single submitter. Criteria: Invitae Variant Classification Sherloc (09022015). Collection method: clinical testing. Allele origin: germline.
Comment: In summary, the available evidence is currently insufficient to determine the role of this variant in disease. Therefore, it has been classified as a Variant of Uncertain Significance. Algorithms developed to predict the effect of sequence changes on RNA splicing suggest that this variant may disrupt the consensus splice site. Advanced modeling of protein sequence and biophysical properties (such as structural, functional, and spatial information, amino acid conservation, physicochemical variation, residue mobility, and thermodynamic stability) performed at Invitae indicates that this missense variant is not expected to disrupt CYP27A1 protein function. This variant has not been reported in the literature in individuals affected with CYP27A1-related conditions. This variant is present in population databases (no rsID available, gnomAD 0.003%). This sequence change replaces methionine, which is neutral and non-polar, with arginine, which is basic and polar, at codon 97 of the CYP27A1 protein (p.Met97Arg).

NM_000784.4(CYP27A1):c.290T>G (p.Met97Arg)

Gene: CYP27A1 (cytochrome P450 family 27 subfamily A member 1; plus strand). Cytogenetic location: 2q35.
Variant type: single nucleotide variant.
Coding change: c.290T>G on transcript NM_000784.4 (MANE Select); coding-DNA position 290, T replaced by G.
Protein change: p.Met97Arg; replaces methionine 97 with arginine.
Molecular consequence: missense variant.
Genome position (GRCh38, 1-based): chr2:218,809,611, T>G. VCF-style: chr2-218809611-T-G. GRCh37 (hg19) VCF-style: chr2-219674334-T-G.
Other names: c.290T>G (NM_000784.3); short protein forms M97R.
Identifiers: ClinVar variation 2006036 (VCV002006036.5), dbSNP rs1446435580, ClinGen allele CA350583046.